The following is an entry in ClinVar:

ClinVar aggregate classification (germline): Uncertain significance. Review status: criteria provided, multiple submitters, no conflicts (2 of 4 stars). 3 submissions from 3 submitters: Uncertain significance (2). 1 of the submissions does not count toward it. Last evaluated 2025-09-05.

Conditions:
Metaphyseal chondrodysplasia, McKusick type (CHH). Also called: Cartilage-Hair Hypoplasia (CHH); Cartilage-hair hypoplasia. Identifiers: Orphanet 175, MedGen C0220748, MONDO:0009595, OMIM 250250.
Anauxetic dysplasia. Identifiers: Orphanet 93347, MedGen C1846796, MONDO:0011773.

Submissions (3):

Labcorp Genetics (formerly Invitae), Labcorp
Classification: Uncertain significance for Anauxetic dysplasia. Last evaluated: 2025-09-05. Review status: criteria provided, single submitter. Criteria: Invitae Variant Classification Sherloc (09022015). Collection method: clinical testing. Allele origin: germline.
Comment: This variant occurs in the RMRP gene, which encodes an RNA molecule that does not result in a protein product. This variant is present in population databases (no rsID available, gnomAD 0.002%). This variant has not been reported in the literature in individuals affected with RMRP-related conditions. ClinVar contains an entry for this variant (Variation ID: 653445). Experimental studies and prediction algorithms are not available or were not evaluated, and the functional significance of this variant is currently unknown. In summary, the available evidence is currently insufficient to determine the role of this variant in disease. Therefore, it has been classified as a Variant of Uncertain Significance.

Women's Health and Genetics/Laboratory Corporation of America, LabCorp
Classification: Uncertain significance. Last evaluated: 2025-04-18. Review status: criteria provided, single submitter. Criteria: LabCorp Variant Classification Summary - May 2015. Collection method: clinical testing. Allele origin: germline.
Comment: Variant summary: RMRP n.185delG (also known as NC_000009.11: chr9:g.35657831delC) alters a nucleotide in the non-coding RNA. The variant allele was found at a frequency of 7.7e-06 in 130000 control chromosomes (gnomAD). The available data on variant occurrences in the general population are insufficient to allow any conclusion about variant significance. To our knowledge, no occurrence of n.185delG in individuals affected with Cartilage-Hair Hypoplasia and no experimental evidence demonstrating its impact on protein function have been reported. ClinVar contains an entry for this variant (Variation ID: 653445). Based on the evidence outlined above, the variant was classified as uncertain significance.

Natera, Inc.
Classification: Uncertain significance for Cartilage-hair hypoplasia. Last evaluated: 2020-04-14. Review status: no assertion criteria provided. Collection method: clinical testing. Allele origin: germline. Not counted in ClinVar's aggregate classification.

NR_003051.4(RMRP):n.182delG

Gene: RMRP (RNA component of mitochondrial RNA processing endoribonuclease; minus strand). Cytogenetic location: 9p13.3.
Variant type: Deletion.
Genome position: GRCh38 VCF-style: chr9-35657833-GC-G. GRCh37 (hg19) VCF-style: chr9-35657830-GC-G.
Identifiers: ClinVar variation 653445 (VCV000653445.8), dbSNP rs1563906794, ClinGen allele CA587570172.